The following is an entry in ClinVar:

NM_152327.5(AK7):c.1695C>T (p.Ile565=)

Gene: AK7 (adenylate kinase 7; plus strand). Cytogenetic location: 14q32.2.
Variant type: single nucleotide variant.
Coding change: c.1695C>T on transcript NM_152327.5 (MANE Select); coding-DNA position 1695, C replaced by T.
Protein change: p.Ile565=; no amino-acid change (isoleucine 565 retained).
Molecular consequence: synonymous variant.
Genome position (GRCh38, 1-based): chr14:96,478,604, C>T. VCF-style: chr14-96478604-C-T. GRCh37 (hg19) VCF-style: chr14-96944941-C-T.
Other names: c.1626C>T, p.Ile542= (NM_001350888.2, NM_001350890.2); c.1617C>T, p.Ile539= (NM_001350891.2); c.1497C>T, p.Ile499= (NM_001350892.2); c.1695C>T (NM_152327.3).
Identifiers: ClinVar variation 2893940 (VCV002893940.5), dbSNP rs190353433, ClinGen allele CA7337924.

ClinVar aggregate classification (germline): Likely benign. Review status: criteria provided, single submitter (1 of 4 stars). 2 submissions from 2 submitters: Likely benign (1). 1 of the submissions does not count toward it. Last evaluated 2026-01-01.

Conditions:
AK7-related disorder. Also called: AK7-related condition.

Allele frequency attached by ClinVar (database versions not stated): gnomAD exomes 0.00004; TOPMed 0.00004; ESP Exome Variant Server 0.00008; ExAC 0.00003; 1000 Genomes Project 30x 0.00016; gnomAD 0.00006; 1000 Genomes Project 0.00020.
gnomAD v4.1: 62 of 1,614,150 alleles (0.0038%); highest among the groups gnomAD compares: African/African-American, 0.008%; no homozygotes.

Submissions (2):

Labcorp Genetics (formerly Invitae), Labcorp
Classification: Likely benign. Last evaluated: 2026-01-01. Review status: criteria provided, single submitter. Criteria: Invitae Variant Classification Sherloc (09022015). Collection method: clinical testing. Allele origin: germline.

PreventionGenetics, part of Exact Sciences
Classification: Likely benign for AK7-related condition. Last evaluated: 2019-03-04. Review status: no assertion criteria provided. Collection method: clinical testing. Allele origin: germline. Not counted in ClinVar's aggregate classification.
Comment: This variant is classified as likely benign based on ACMG/AMP sequence variant interpretation guidelines (Richards et al. 2015 PMID: 25741868, with internal and published modifications).